The following is an entry in ClinVar:

NM_004995.4(MMP14):c.665C>T (p.Thr222Ile)

Gene: MMP14 (matrix metallopeptidase 14; plus strand). Cytogenetic location: 14q11.2.
Variant type: single nucleotide variant.
Coding change: c.665C>T on transcript NM_004995.4 (MANE Select); coding-DNA position 665, C replaced by T.
Protein change: p.Thr222Ile; replaces threonine 222 with isoleucine.
Molecular consequence: missense variant.
Genome position (GRCh38, 1-based): chr14:22,842,694, C>T. VCF-style: chr14-22842694-C-T. GRCh37 (hg19) VCF-style: chr14-23311903-C-T.
Other names: short protein forms T222I.
Identifiers: ClinVar variation 1461003 (VCV001461003.8), dbSNP rs757380549, ClinGen allele CA7105215.

ClinVar aggregate classification (germline): Uncertain significance (1 of 4 stars; one submission).

Allele frequency attached by ClinVar (database versions not stated): ExAC 0.00001; gnomAD exomes 0.00001.
gnomAD v4.1: 4 of 1,607,438 alleles (0.00025%); highest among the groups gnomAD compares: Admixed American, 0.005%; no homozygotes.

Submission:

Labcorp Genetics (formerly Invitae), Labcorp
Classification: Uncertain significance. Last evaluated: 2022-06-20. Review status: criteria provided, single submitter. Criteria: Invitae Variant Classification Sherloc (09022015). Collection method: clinical testing. Allele origin: germline.
Comment: In summary, the available evidence is currently insufficient to determine the role of this variant in disease. Therefore, it has been classified as a Variant of Uncertain Significance. Algorithms developed to predict the effect of missense changes on protein structure and function (SIFT, PolyPhen-2, Align-GVGD) all suggest that this variant is likely to be disruptive. This variant has not been reported in the literature in individuals affected with MMP14-related conditions. This variant is present in population databases (rs757380549, gnomAD 0.006%). This sequence change replaces threonine, which is neutral and polar, with isoleucine, which is neutral and non-polar, at codon 222 of the MMP14 protein (p.Thr222Ile).